The following is an entry in ClinVar:

ClinVar aggregate classification (germline): Pathogenic/Likely pathogenic. Review status: criteria provided, multiple submitters, no conflicts (2 of 4 stars). 4 submissions from 4 submitters: Pathogenic (2); Likely pathogenic (2). Last evaluated 2025-11-13.

Conditions:
EYS-related disorder. Also called: EYS-related condition.
Retinitis pigmentosa 25 (RP25). Identifiers: Orphanet 791, MedGen C1864446, MONDO:0011272, OMIM 602772.

Allele frequency attached by ClinVar (database versions not stated): gnomAD exomes below 0.00001 and 0.00001.
gnomAD v4.1: 3 of 1,551,184 alleles (0.00019%); highest among the groups gnomAD compares: Admixed American, 0.0039%; no homozygotes.

Submissions (4):

Labcorp Genetics (formerly Invitae), Labcorp
Classification: Pathogenic. Last evaluated: 2025-11-13. Review status: criteria provided, single submitter. Criteria: Invitae Variant Classification Sherloc (09022015). Collection method: clinical testing. Allele origin: germline.
Comment: This sequence change affects a donor splice site in intron 38 of the EYS gene. It is expected to disrupt RNA splicing. Variants that disrupt the donor or acceptor splice site typically lead to a loss of protein function (PMID: 16199547), and loss-of-function variants in EYS are known to be pathogenic (PMID: 18836446, 20333770). This variant is present in population databases (no rsID available, gnomAD 0.008%). Disruption of this splice site has been observed in individuals with retinitis pigmentosa (PMID: 29550188; internal data). ClinVar contains an entry for this variant (Variation ID: 847758). Algorithms developed to predict the effect of sequence changes on RNA splicing suggest that this variant may disrupt the consensus splice site. For these reasons, this variant has been classified as Pathogenic.

Natera, Inc.
Classification: Pathogenic for Retinitis pigmentosa type 25. Last evaluated: 2025-01-23. Review status: criteria provided, single submitter. Criteria: Natera Variant Classification Schema (03/2026). Collection method: clinical testing. Allele origin: germline.
Comment: The c.7578+1G>A variant in EYS is a canonical splice donor site variant predicted to affect pre-mRNA splicing, which may result in an abnormal transcript and altered protein product. This variant is expected to result in nonsense mediated decay, truncation, or a dysfunctional protein product. This variant is rare in the general population with a frequency below the threshold expected for the associated phenotype(s). This variant has been observed in one or more individuals affected with the associated recessive disease, as either homozygous or compound heterozygous with a second variant (PMID: 29550188). Given the available evidence, this variant is classified as Pathogenic.

Fulgent Genetics
Classification: Likely pathogenic for Retinitis pigmentosa 25. Last evaluated: 2024-04-05. Review status: criteria provided, single submitter. Criteria: ACMG Guidelines, 2015. Collection method: clinical testing. Allele origin: germline.

Blueprint Genetics
Classification: Likely pathogenic for EYS-related disorders. Last evaluated: 2018-05-11. Review status: criteria provided, single submitter. Criteria: ACMG Guidelines, 2015. Collection method: clinical testing. Allele origin: germline. Affected: yes. Observed: 1 variant allele.

Literature cited by the submitters: PubMed 16199547 (cited by Labcorp Genetics (formerly Invitae), Labcorp); PubMed 18836446 (cited by Labcorp Genetics (formerly Invitae), Labcorp); PubMed 20333770 (cited by Labcorp Genetics (formerly Invitae), Labcorp); PubMed 29550188 (cited by Labcorp Genetics (formerly Invitae), Labcorp and Natera, Inc.).

NM_001142800.2(EYS):c.7578+1G>A

Gene: EYS (EGF-like photoreceptor maintenance factor; minus strand). Cytogenetic location: 6q12.
Variant type: single nucleotide variant.
Coding change: c.7578+1G>A on transcript NM_001142800.2 (MANE Select); the canonical splice donor site of the intron after coding-DNA position 7578, G replaced by A.
Molecular consequence: splice donor variant.
Genome position (GRCh38, 1-based): chr6:63,789,057, C>T on the plus strand (G>A on the coding strand, the complement: EYS is on the minus strand). VCF-style: chr6-63789057-C-T. GRCh37 (hg19) VCF-style: chr6-64498950-C-T.
Other names: c.7578+1G>A (NM_001292009.2).
Identifiers: ClinVar variation 847758 (VCV000847758.12), dbSNP rs1228475082, ClinGen allele CA364385566.